The following is an entry in ClinVar:

NM_033305.3(VPS13A):c.218del (p.Asn73fs)

Gene: VPS13A (vacuolar protein sorting 13 homolog A; plus strand). Cytogenetic location: 9q21.2.
Variant type: Deletion.
Coding change: c.218del on transcript NM_033305.3 (MANE Select); coding-DNA position 218, one base deleted (A; older notation c.218delA).
Protein change: p.Asn73fs; shifts the reading frame from asparagine 73.
Molecular consequence: frameshift variant.
Genome position (GRCh38, 1-based): chr9:77,205,343, A deleted; the last of 5 consecutive A bases (chr9:77,205,339-77,205,343); deleting any one gives the same sequence. VCF-style (leftmost placement, unchanged base first): chr9-77205338-GA-G. GRCh37 (hg19) VCF-style: chr9-79820254-GA-G.
Other names: c.218del, p.Asn73fs (NM_001018037.2, NM_001018038.3, NM_015186.4); short protein forms N73fs.
Identifiers: ClinVar variation 840760 (VCV000840760.7), dbSNP rs1825576567, ClinGen allele CA916083048.

ClinVar aggregate classification (germline): Pathogenic (1 of 4 stars; one submission).

Submission:

Labcorp Genetics (formerly Invitae), Labcorp
Classification: Pathogenic. Last evaluated: 2019-05-09. Review status: criteria provided, single submitter. Criteria: Invitae Variant Classification Sherloc (09022015). Collection method: clinical testing. Allele origin: germline.
Comment: This sequence change creates a premature translational stop signal (p.Asn73Thrfs*18) in the VPS13A gene. It is expected to result in an absent or disrupted protein product. This variant is not present in population databases (ExAC no frequency). This variant has not been reported in the literature in individuals with VPS13A-related conditions. Loss-of-function variants in VPS13A are known to be pathogenic (PMID: 12404112, 21598378). For these reasons, this variant has been classified as Pathogenic.

Literature cited by the submitters: PubMed 12404112; PubMed 21598378.